The following is an entry in ClinVar:

NM_004970.3(IGFALS):c.1526G>A (p.Arg509His)

Gene: IGFALS (insulin like growth factor binding protein acid labile subunit; minus strand). Cytogenetic location: 16p13.3.
Variant type: single nucleotide variant.
Coding change: c.1526G>A on transcript NM_004970.3 (MANE Select); coding-DNA position 1526, G replaced by A.
Protein change: p.Arg509His; replaces arginine 509 with histidine.
Molecular consequence: missense variant. On other transcripts: non-coding transcript variant (1).
Genome position (GRCh38, 1-based): chr16:1,790,892, C>T on the plus strand (G>A on the coding strand, the complement: IGFALS is on the minus strand). VCF-style: chr16-1790892-C-T. GRCh37 (hg19) VCF-style: chr16-1840893-C-T.
Other names: c.1640G>A, p.Arg547His (NM_001146006.2); short protein forms R509H, R547H.
Identifiers: ClinVar variation 740202 (VCV000740202.6), dbSNP rs368049621, ClinGen allele CA7820281.
Genomic context (GRCh38, chr16:1,790,892, plus strand): 5'-TCCAGGCCCGGGGGCTGCGGCGTGAAGGTCCGCAGTGAGTTGTTCCTGAGGCTGAGGTAG[C>T]GCAGCCGCCCCAGTGGTGCCAAGAGGCTGTTGGGCAATGCCTCCAGGCGGTTGTGCGAGA-3'
Protein context (NP_004961.1, residues 499-519): NSLLAPLGRL[Arg509His]YLSLRNNSLR

ClinVar aggregate classification (germline): Likely benign. Review status: criteria provided, multiple submitters, no conflicts (2 of 4 stars). 3 submissions from 3 submitters: Likely benign (2). 1 of the submissions does not count toward it. Last evaluated 2026-04-15.

Conditions:
IGFALS-related disorder. Also called: IGFALS-related condition.

Allele frequency attached by ClinVar (database versions not stated): gnomAD 0.00001 and 0.00020; TOPMed 0.00005; gnomAD exomes 0.00048 and 0.00106; 1000 Genomes Project 0.00160; 1000 Genomes Project 30x 0.00172; ExAC 0.00276.

Submissions (3):

Women's Health and Genetics/Laboratory Corporation of America, LabCorp
Classification: Likely benign. Last evaluated: 2026-04-15. Review status: criteria provided, single submitter. Criteria: LabCorp Variant Classification Summary - May 2015. Collection method: clinical testing. Allele origin: germline.
Comment: Variant summary: IGFALS c.1526G>A (p.Arg509His) results in a non-conservative amino acid change in the encoded protein sequence. Algorithms developed to predict the effect of missense changes on protein structure and function are either unavailable or do not agree on the potential impact of this missense change. The variant allele was found at a frequency of 0.0011 in 184266 control chromosomes, predominantly at a frequency of 0.0076 within the South Asian subpopulation in the gnomAD database, including 2 homozygotes. The observed variant frequency within South Asian control individuals in the gnomAD database exceeds the estimated maximal expected allele frequency for disease-causing variants in IGFALS. To our knowledge, no occurrence of c.1526G>A in individuals affected with IGFALS-related conditions and no experimental evidence demonstrating its impact on protein function have been reported. ClinVar contains an entry for this variant (Variation ID: 740202). Based on the evidence outlined above, the variant was classified as likely benign.

Labcorp Genetics (formerly Invitae), Labcorp
Classification: Likely benign. Last evaluated: 2018-04-07. Review status: criteria provided, single submitter. Criteria: Invitae Variant Classification Sherloc (09022015). Collection method: clinical testing. Allele origin: germline.

PreventionGenetics, part of Exact Sciences
Classification: Benign for IGFALS-related condition. Last evaluated: 2019-12-24. Review status: no assertion criteria provided. Collection method: clinical testing. Allele origin: germline. Not counted in ClinVar's aggregate classification.
Comment: This variant is classified as benign based on ACMG/AMP sequence variant interpretation guidelines (Richards et al. 2015 PMID: 25741868, with internal and published modifications).